The following is an entry in ClinVar:

NM_000138.5(FBN1):c.5463C>T (p.Asn1821=)

Gene: FBN1 (fibrillin 1; minus strand). Cytogenetic location: 15q21.1.
Variant type: single nucleotide variant.
Coding change: c.5463C>T on transcript NM_000138.5 (MANE Select); coding-DNA position 5463, C replaced by T.
Protein change: p.Asn1821=; no amino-acid change (asparagine 1821 retained).
Molecular consequence: synonymous variant.
Genome position (GRCh38, 1-based): chr15:48,452,644, G>A on the plus strand (C>T on the coding strand, the complement: FBN1 is on the minus strand). VCF-style: chr15-48452644-G-A. GRCh37 (hg19) VCF-style: chr15-48744841-G-A.
Identifiers: ClinVar variation 1329368 (VCV001329368.10), dbSNP rs753966383, ClinGen allele CA055012.

ClinVar aggregate classification (germline): Likely benign. Review status: criteria provided, multiple submitters, no conflicts (2 of 4 stars). 6 submissions from 6 submitters: Likely benign (6). Last evaluated 2025-12-19.

Conditions:
Marfan syndrome (MFS). Also called: Marfan syndrome type 1; Marfan's syndrome; FBN1-Related Marfan Syndrome; MARFAN SYNDROME, TYPE I; Marfan syndrome, classic. Identifiers: Orphanet 284963, Orphanet 558, MedGen C0024796, MONDO:0007947, OMIM 154700.
Familial thoracic aortic aneurysm and aortic dissection (TAAD). Also called: Thoracic aortic aneurysms and dissections. Identifiers: Orphanet 91387, MedGen C4707243, MONDO:0019625.

Allele frequency attached by ClinVar (database versions not stated): gnomAD 0.00003 and 0.00002; ExAC 0.00002; TOPMed 0.00003; gnomAD exomes 0.00002.
gnomAD v4.1: 29 of 1,614,012 alleles (0.0018%); highest among the groups gnomAD compares: African/African-American, 0.004%; no homozygotes.

Submissions (6):

Labcorp Genetics (formerly Invitae), Labcorp
Classification: Likely benign for Marfan syndrome; Familial thoracic aortic aneurysm and aortic dissection. Last evaluated: 2025-12-19. Review status: criteria provided, single submitter. Criteria: Invitae Variant Classification Sherloc (09022015). Collection method: clinical testing. Allele origin: germline.

Ambry Genetics
Classification: Likely benign for Familial thoracic aortic aneurysm and aortic dissection. Last evaluated: 2025-06-23. Review status: criteria provided, single submitter. Criteria: Ambry Variant Classification Scheme 2023. Collection method: clinical testing. Allele origin: germline.

Women's Health and Genetics/Laboratory Corporation of America, LabCorp
Classification: Likely benign. Last evaluated: 2024-12-06. Review status: criteria provided, single submitter. Criteria: LabCorp Variant Classification Summary - May 2015. Collection method: clinical testing. Allele origin: germline.

Blueprint Genetics
Classification: Likely benign. Last evaluated: 2024-06-26. Review status: criteria provided, single submitter. Criteria: ACMG Guidelines, 2015. Collection method: clinical testing. Allele origin: germline.

All of Us Research Program, National Institutes of Health
Classification: Likely benign for Marfan syndrome. Last evaluated: 2023-05-31. Review status: criteria provided, single submitter. Criteria: ACMG Guidelines, 2015. Collection method: clinical testing. Allele origin: germline. Inheritance: Autosomal dominant inheritance. Observed: 4 variant alleles, 4 heterozygotes.
Comment: This study involves interpretation of variants in research participants for the purpose of population health screening. Participant phenotype was not available at the time of variant classification. Additional details can be found in publication PMID: 35346344, PMCID: PMC8962531

CHEO Genetics Diagnostic Laboratory, Children's Hospital of Eastern Ontario
Classification: Likely benign for Familial thoracic aortic aneurysm and aortic dissection. Last evaluated: 2020-06-25. Review status: criteria provided, single submitter. Criteria: ACMG Guidelines, 2015. Collection method: clinical testing. Allele origin: germline.